The following is an entry in ClinVar:

ClinVar aggregate classification (germline): Uncertain significance (1 of 4 stars; one submission).

Conditions:
Perlman syndrome (PRLMNS). Identifiers: Orphanet 2849, MedGen C0796113, MONDO:0009965, OMIM 267000.

Submission:

Labcorp Genetics (formerly Invitae), Labcorp
Classification: Uncertain significance for Perlman syndrome. Last evaluated: 2022-07-09. Review status: criteria provided, single submitter. Criteria: Invitae Variant Classification Sherloc (09022015). Collection method: clinical testing. Allele origin: germline.
Comment: This sequence change replaces lysine, which is basic and polar, with methionine, which is neutral and non-polar, at codon 36 of the DIS3L2 protein (p.Lys36Met). This variant is not present in population databases (gnomAD no frequency). In summary, the available evidence is currently insufficient to determine the role of this variant in disease. Therefore, it has been classified as a Variant of Uncertain Significance. Algorithms developed to predict the effect of missense changes on protein structure and function are either unavailable or do not agree on the potential impact of this missense change (SIFT: "Tolerated"; PolyPhen-2: "Possibly Damaging"; Align-GVGD: "Class C0"). This variant has not been reported in the literature in individuals affected with DIS3L2-related conditions.

NM_152383.5(DIS3L2):c.107A>T (p.Lys36Met)

Gene: DIS3L2 (DIS3 like 3'-5' exoribonuclease 2; plus strand). Cytogenetic location: 2q37.1.
Variant type: single nucleotide variant.
Coding change: c.107A>T on transcript NM_152383.5 (MANE Select); coding-DNA position 107, A replaced by T.
Protein change: p.Lys36Met; replaces lysine 36 with methionine.
Molecular consequence: missense variant. On other transcripts: non-coding transcript variant (2).
Genome position (GRCh38, 1-based): chr2:232,015,568, A>T. VCF-style: chr2-232015568-A-T. GRCh37 (hg19) VCF-style: chr2-232880278-A-T.
Other names: c.107A>T, p.Lys36Met (NM_001257281.2, NM_001257282.2); short protein forms K36M.
Identifiers: ClinVar variation 2172613 (VCV002172613.4), dbSNP rs1694330552, ClinGen allele CA351151912.